The following is an entry in ClinVar:

NM_030665.4(RAI1):c.109G>A (p.Gly37Arg)

Gene: RAI1 (retinoic acid induced 1; plus strand). Cytogenetic location: 17p11.2.
Variant type: single nucleotide variant.
Coding change: c.109G>A on transcript NM_030665.4 (MANE Select); coding-DNA position 109, G replaced by A.
Protein change: p.Gly37Arg; replaces glycine 37 with arginine.
Molecular consequence: missense variant.
Genome position (GRCh38, 1-based): chr17:17,793,057, G>A. VCF-style: chr17-17793057-G-A. GRCh37 (hg19) VCF-style: chr17-17696371-G-A.
Other names: short protein forms G37R.
Identifiers: ClinVar variation 436491 (VCV000436491.21), dbSNP rs201393598, ClinGen allele CA8418043.

ClinVar aggregate classification (germline): Conflicting classifications of pathogenicity. Review status: criteria provided, conflicting classifications (1 of 4 stars). 5 submissions from 5 submitters: Uncertain significance (2); Benign (2). 1 of the submissions does not count toward it. Last evaluated 2025-10-10.

Conditions:
Inborn genetic diseases. Identifiers: MedGen C0950123, MeSH D030342.
Smith-Magenis syndrome (SMS). Also called: CHROMOSOME 17p11.2 DELETION SYNDROME. Identifiers: Orphanet 819, MedGen C0795864, MONDO:0008434, OMIM 182290.
RAI1-related disorder. Also called: RAI1-related condition.

Allele frequency attached by ClinVar (database versions not stated): ExAC 0.00009; gnomAD exomes 0.00010; 1000 Genomes Project 30x 0.00016; 1000 Genomes Project 0.00020; gnomAD 0.00021 and 0.00024; ESP Exome Variant Server 0.00023; TOPMed 0.00033.

Submissions (5):

Labcorp Genetics (formerly Invitae), Labcorp
Classification: Benign. Last evaluated: 2025-10-10. Review status: criteria provided, single submitter. Criteria: Invitae Variant Classification Sherloc (09022015). Collection method: clinical testing. Allele origin: germline.

Revvity Omics, Revvity
Classification: Uncertain significance for Smith-Magenis syndrome. Last evaluated: 2019-12-18. Review status: criteria provided, single submitter. Criteria: ACMG Guidelines, 2015. Collection method: clinical testing. Allele origin: germline.

Ambry Genetics
Classification: Benign for Inborn genetic diseases. Last evaluated: 2019-01-31. Review status: criteria provided, single submitter. Criteria: Ambry Variant Classification Scheme 2023. Collection method: clinical testing. Allele origin: germline.

Genetic Services Laboratory, University of Chicago
Classification: Uncertain significance. Last evaluated: 2016-05-13. Review status: criteria provided, single submitter. Criteria: ACMG Guidelines, 2015. Collection method: clinical testing. Allele origin: germline. Affected: no.

PreventionGenetics, part of Exact Sciences
Classification: Likely benign for RAI1-related condition. Last evaluated: 2020-01-22. Review status: no assertion criteria provided. Collection method: clinical testing. Allele origin: germline. Not counted in ClinVar's aggregate classification.
Comment: This variant is classified as likely benign based on ACMG/AMP sequence variant interpretation guidelines (Richards et al. 2015 PMID: 25741868, with internal and published modifications).